The following is an entry in ClinVar:

ClinVar aggregate classification (germline): Pathogenic (1 of 4 stars; one submission).

Conditions:
Cataract 38. Also called: Cataract, autosomal recessive congenital 5; Cataract 38, autosomal recessive. Identifiers: Orphanet 91492, MedGen C3553494, MONDO:0013859, OMIM 614691.
Sengers syndrome. Also called: MITOCHONDRIAL DNA DEPLETION SYNDROME 10 (CARDIOMYOPATHIC TYPE); Cardiomyopathy and cataract. Identifiers: Orphanet 1369, MedGen C1859317, MONDO:0008922, OMIM 212350.

Submission:

Labcorp Genetics (formerly Invitae), Labcorp
Classification: Pathogenic for Sengers syndrome; Cataract 38. Last evaluated: 2024-08-15. Review status: criteria provided, single submitter. Criteria: Invitae Variant Classification Sherloc (09022015). Collection method: clinical testing. Allele origin: germline.
Comment: This sequence change creates a premature translational stop signal (p.Tyr390Serfs*9) in the AGK gene. While this is not anticipated to result in nonsense mediated decay, it is expected to disrupt the last 33 amino acid(s) of the AGK protein. This variant is not present in population databases (gnomAD no frequency). This variant has not been reported in the literature in individuals affected with AGK-related conditions. ClinVar contains an entry for this variant (Variation ID: 2021455). Algorithms developed to predict the effect of sequence changes on RNA splicing suggest that this variant may disrupt the consensus splice site. This variant disrupts the C-terminus of the AGK protein. Other variant(s) that disrupt this region (p.Tyr390*, Gln405*, Phe406Valfs*4) have been observed in individuals with AGK-related conditions (PMID: 22277967, 22284826, 31303091). This suggests that this may be a clinically significant region of the protein. For these reasons, this variant has been classified as Pathogenic.

Literature cited by the submitters: PubMed 22277967; PubMed 22284826; PubMed 31303091.

NM_018238.4(AGK):c.1166_1167dup (p.Tyr390fs)

Gene: AGK (acylglycerol kinase; plus strand). Cytogenetic location: 7q34.
Variant type: Duplication.
Coding change: c.1166_1167dup on transcript NM_018238.4 (MANE Select); coding-DNA positions 1166 to 1167, 2 bases duplicated (AG; older notation c.1166_1167dupAG).
Protein change: p.Tyr390fs; shifts the reading frame from tyrosine 390.
Molecular consequence: frameshift variant.
Genome position (GRCh38, 1-based): chr7:141,652,821-141,652,822, AG duplicated; duplicating any 2 consecutive bases within chr7:141,652,820-141,652,822 gives the same sequence; the c. name uses the placement nearest the transcript's 3' end. VCF-style (leftmost placement, unchanged base first): chr7-141652819-G-GGA. GRCh37 (hg19) VCF-style: chr7-141352619-G-GGA.
Other names: short protein forms Y390fs.
Identifiers: ClinVar variation 2021455 (VCV002021455.4), dbSNP rs2485501462, ClinGen allele CA2580077611.